The following is an entry in ClinVar:

ClinVar aggregate classification (germline): Uncertain significance (1 of 4 stars; one submission).

Submission:

Labcorp Genetics (formerly Invitae), Labcorp
Classification: Uncertain significance. Last evaluated: 2025-05-12. Review status: criteria provided, single submitter. Criteria: Invitae Variant Classification Sherloc (09022015). Collection method: clinical testing. Allele origin: germline.
Comment: This sequence change replaces aspartic acid, which is acidic and polar, with alanine, which is neutral and non-polar, at codon 436 of the REST protein (p.Asp436Ala). This variant is not present in population databases (gnomAD no frequency). This variant has not been reported in the literature in individuals affected with REST-related conditions. An algorithm developed to predict the effect of missense changes on protein structure and function (PolyPhen-2) suggests that this variant is likely to be tolerated. In summary, the available evidence is currently insufficient to determine the role of this variant in disease. Therefore, it has been classified as a Variant of Uncertain Significance.

NM_005612.5(REST):c.1307A>C (p.Asp436Ala)

Gene: REST (RE1 silencing transcription factor; plus strand). Cytogenetic location: 4q12.
Variant type: single nucleotide variant.
Coding change: c.1307A>C on transcript NM_005612.5 (MANE Select); coding-DNA position 1307, A replaced by C.
Protein change: p.Asp436Ala; replaces aspartic acid 436 with alanine.
Molecular consequence: missense variant.
Genome position (GRCh38, 1-based): chr4:56,930,165, A>C. VCF-style: chr4-56930165-A-C. GRCh37 (hg19) VCF-style: chr4-57796331-A-C.
Other names: c.1307A>C, p.Asp436Ala (NM_001363453.3, NM_001193508.2); c.1223A>C, p.Asp408Ala (NM_001440532.1, NM_001440533.1); short protein forms D436A, D408A.
Identifiers: ClinVar variation 4764616 (VCV004764616.1).